The following is an entry in ClinVar:

ClinVar aggregate classification (germline): Conflicting classifications of pathogenicity. Review status: criteria provided, conflicting classifications (1 of 4 stars). 5 submissions from 5 submitters: Uncertain significance (3); Likely benign (2). Last evaluated 2025-11-15.

Conditions:
Hereditary spastic paraplegia 30. Identifiers: Orphanet 101010, MedGen C5235139, MONDO:0012476.
Intellectual disability, autosomal dominant 9 (NESCAVS). Also called: NESCAV SYNDROME; KIF1A-Related Neurodevelopmental Disorder. Identifiers: Orphanet 662367, MedGen C5393830, MONDO:0013656, OMIM 614255.
Neuropathy, hereditary sensory, type 2C. Also called: Hereditary sensory and autonomic neuropathy type IIC; KIF1A-Related HSAN2 (HSAN2C). Identifiers: Orphanet 970, MedGen C3280168, MONDO:0013634, OMIM 614213.
Inborn genetic diseases. Identifiers: MedGen C0950123, MeSH D030342.

Allele frequency attached by ClinVar (database versions not stated): ESP Exome Variant Server 0.00008; gnomAD 0.00009 and 0.00012; TOPMed 0.00015; gnomAD exomes 0.00018; 1000 Genomes Project 30x 0.00031; 1000 Genomes Project 0.00040; ExAC 0.00040.
gnomAD v4.1: 156 of 1,589,594 alleles (0.0098%); highest among the groups gnomAD compares: East Asian, 0.16%; no homozygotes.

Submissions (5):

Labcorp Genetics (formerly Invitae), Labcorp
Classification: Likely benign for Hereditary spastic paraplegia 30; Neuropathy, hereditary sensory, type 2C; Intellectual disability, autosomal dominant 9. Last evaluated: 2025-11-15. Review status: criteria provided, single submitter. Criteria: Invitae Variant Classification Sherloc (09022015). Collection method: clinical testing. Allele origin: germline.

GeneDx
Classification: Uncertain significance. Last evaluated: 2024-06-28. Review status: criteria provided, single submitter. Criteria: GeneDx Variant Classification Process June 2021. Collection method: clinical testing. Allele origin: germline. Affected: yes.
Comment: In silico analysis supports that this missense variant has a deleterious effect on protein structure/function; This variant is associated with the following publications: (PMID: 34426522, 31734026)

Athena Diagnostics
Classification: Likely benign. Last evaluated: 2023-12-15. Review status: criteria provided, single submitter. Criteria: Athena Diagnostics Criteria. Collection method: clinical testing. Allele origin: unknown.

Mayo Clinic Laboratories, Mayo Clinic
Classification: Uncertain significance. Last evaluated: 2020-10-12. Review status: criteria provided, single submitter. Criteria: ACMG Guidelines, 2015. Collection method: clinical testing. Allele origin: germline. Observed: 1 variant allele.

Ambry Genetics
Classification: Uncertain significance for Inborn genetic diseases. Last evaluated: 2018-06-12. Review status: criteria provided, single submitter. Criteria: Ambry Variant Classification Scheme 2023. Collection method: clinical testing. Allele origin: germline.
Comment: The p.R1190C variant (also known as c.3568C>T), located in coding exon 34 of the KIF1A gene, results from a C to T substitution at nucleotide position 3568. The arginine at codon 1190 is replaced by cysteine, an amino acid with highly dissimilar properties. This amino acid position is not well conserved in available vertebrate species. In addition, this alteration is predicted to be tolerated by in silico analysis. Since supporting evidence is limited at this time, the clinical significance of this alteration remains unclear.

Literature cited by the submitters: PubMed 29908077 (cited by Athena Diagnostics); PubMed 31734026 (cited by Athena Diagnostics).

NM_001244008.2(KIF1A):c.3871C>T (p.Arg1291Cys)

Genes: KIF1A (kinesin family member 1A; minus strand), LOC126806583 (P300/CBP strongly-dependent group 1 enhancer GRCh37_chr2:241678910-241680109; plus strand). Cytogenetic location: 2q37.3.
Variant type: single nucleotide variant.
Coding change: c.3871C>T on transcript NM_001244008.2 (MANE Select); coding-DNA position 3871, C replaced by T.
Protein change: p.Arg1291Cys; replaces arginine 1291 with cysteine.
Molecular consequence: missense variant.
Genome position (GRCh38, 1-based): chr2:240,740,088, G>A on the plus strand (C>T on the coding strand, the complement: KIF1A is on the minus strand). VCF-style: chr2-240740088-G-A. GRCh37 (hg19) VCF-style: chr2-241679505-G-A.
Other names: c.3595C>T, p.Arg1199Cys (NM_001320705.2, NM_001330289.2, NM_001379638.1); c.3670C>T, p.Arg1224Cys (NM_001330290.2, NM_001379634.1, NM_001379635.1 and 1 more transcripts); c.3946C>T, p.Arg1316Cys (NM_001379631.1); c.3820C>T, p.Arg1274Cys (NM_001379632.1); c.3844C>T, p.Arg1282Cys (NM_001379633.1, NM_001379642.1, NM_001379645.1); c.3568C>T, p.Arg1190Cys (NM_001379636.1, NM_001379639.1, NM_001379641.1 and 5 more transcripts); c.3643C>T, p.Arg1215Cys (NM_001379637.1, NM_001379648.1); c.3565C>T, p.Arg1189Cys (NM_001379640.1); and 1 more; short protein forms R1190C, R1199C, R1224C, R1291C, R1189C, R1215C, R1274C, R1282C.
Identifiers: ClinVar variation 704314 (VCV000704314.26), dbSNP rs199998986, ClinGen allele CA2207611.
Genomic context (GRCh38, chr2:240,740,088, plus strand): 5'-CCACCAAGGCAGCCCCCACACCGCACTCACCCACGACCAGCTCGCGCACTTCCTTCCAGC[G>A]GATATGGCTGCCTGTCTCATGCAGTAGTGTCACCGTAATCCGTCGCTGGATGCCCTGCCG-3'
Protein context (NP_001230937.1, residues 1281-1301): TLLHETGSHI[Arg1291Cys]WKEVRELVVG